The following is an entry in ClinVar:

ClinVar aggregate classification (germline): Likely pathogenic (1 of 4 stars; one submission).

Conditions:
TCF12-related craniosynostosis. Also called: Craniosynostosis 3. Identifiers: Orphanet 35098, Orphanet 35099, Orphanet 672979, MedGen C3715051, MONDO:0014128, OMIM 615314.

Submission:

Klinisk genetik och genomik Research, Gothenburg University
Classification: Likely pathogenic for TCF12-related craniosynostosis. Last evaluated: 2023-11-09. Review status: criteria provided, single submitter. Criteria: ACMG Guidelines, 2015. Collection method: clinical testing, in vitro. Allele origin: de novo, not applicable. Affected: yes. Functional consequence: sequence_variant_affecting_splicing.
Comment: Syndromic bicoronal craniosynostosis

NM_207037.2(TCF12):c.1746-8T>G

Gene: TCF12 (transcription factor 12; plus strand). Cytogenetic location: 15q21.3.
Variant type: single nucleotide variant.
Coding change: c.1746-8T>G on transcript NM_207037.2 (MANE Select); 8 bases into the intron before coding-DNA position 1746, T replaced by G.
Molecular consequence: intron variant.
Genome position (GRCh38, 1-based): chr15:57,273,022, T>G. VCF-style: chr15-57273022-T-G. GRCh37 (hg19) VCF-style: chr15-57565220-T-G.
Other names: c.1746-8T>G (NM_001322151.2, NM_001322159.3, NM_207036.2 and 1 more transcripts); c.1674-8T>G (NM_001322157.3, NM_003205.4, NM_207038.2 and 1 more transcripts); c.1572-8T>G (NM_001322156.2); c.1500-8T>G (NM_001322158.2); c.1746-11T>G (NM_001322152.2); c.1089-8T>G (NM_001322154.2); c.1743-8T>G (NM_001322161.2); c.1710-8T>G (NM_001322164.2); and 3 more.
Identifiers: ClinVar variation 2664498 (VCV002664498.2), dbSNP rs1348990547, ClinGen allele CA2695197290.